The following is an entry in ClinVar:

NM_006231.4(POLE):c.3395A>G (p.Tyr1132Cys)

Gene: POLE (DNA polymerase epsilon, catalytic subunit; minus strand). Cytogenetic location: 12q24.33.
Variant type: single nucleotide variant.
Coding change: c.3395A>G on transcript NM_006231.4 (MANE Select); coding-DNA position 3395, A replaced by G.
Protein change: p.Tyr1132Cys; replaces tyrosine 1132 with cysteine.
Molecular consequence: missense variant.
Genome position (GRCh38, 1-based): chr12:132,657,413, T>C on the plus strand (A>G on the coding strand, the complement: POLE is on the minus strand). VCF-style: chr12-132657413-T-C. GRCh37 (hg19) VCF-style: chr12-133233999-T-C.
Other names: c.3395A>G (NM_006231.2); short protein forms Y1132C.
Identifiers: ClinVar variation 1473654 (VCV001473654.9), dbSNP rs2138659869, ClinGen allele CA387389521.
Genomic context (GRCh38, chr12:132,657,413, plus strand): 5'-TGCAGGGCCGCAGGGATGGTGATGATCTTCTGGATGGCGCTTCCCAGCCGCTCAATGTAG[T>C]AGTCCCAATCCAGAATCTGCATGTGCAGGAAACGGGCACAGAGAACAGCAGGTGGCAGCA-3'
Protein context (NP_006222.2, residues 1122-1142): FDIRAILDWD[Tyr1132Cys]YIERLGSAIQ

ClinVar aggregate classification (germline): Uncertain significance. Review status: criteria provided, multiple submitters, no conflicts (2 of 4 stars). 2 submissions from 2 submitters: Uncertain significance (2). Last evaluated 2025-07-14.

Conditions:
Hereditary cancer-predisposing syndrome. Also called: Neoplastic Syndromes, Hereditary; Hereditary Cancer Syndrome; Tumor predisposition; Hereditary neoplastic syndrome. Identifiers: Orphanet 140162, MedGen C0027672, MeSH D009386, MONDO:0015356.

Submissions (2):

Ambry Genetics
Classification: Uncertain significance for Hereditary cancer-predisposing syndrome. Last evaluated: 2025-07-14. Review status: criteria provided, single submitter. Criteria: Ambry Variant Classification Scheme 2023. Collection method: clinical testing. Allele origin: germline.
Comment: The p.Y1132C variant (also known as c.3395A>G), located in coding exon 28 of the POLE gene, results from an A to G substitution at nucleotide position 3395. The tyrosine at codon 1132 is replaced by cysteine, an amino acid with highly dissimilar properties. This amino acid position is conserved. In addition, this alteration is predicted to be deleterious by in silico analysis. Based on the available evidence, the clinical significance of this variant remains unclear.

Labcorp Genetics (formerly Invitae), Labcorp
Classification: Uncertain significance. Last evaluated: 2023-05-17. Review status: criteria provided, single submitter. Criteria: Invitae Variant Classification Sherloc (09022015). Collection method: clinical testing. Allele origin: germline.
Comment: In summary, the available evidence is currently insufficient to determine the role of this variant in disease. Therefore, it has been classified as a Variant of Uncertain Significance. Advanced modeling of protein sequence and biophysical properties (such as structural, functional, and spatial information, amino acid conservation, physicochemical variation, residue mobility, and thermodynamic stability) performed at Invitae indicates that this missense variant is expected to disrupt POLE protein function. ClinVar contains an entry for this variant (Variation ID: 1473654). This variant has not been reported in the literature in individuals affected with POLE-related conditions. This variant is not present in population databases (gnomAD no frequency). This sequence change replaces tyrosine, which is neutral and polar, with cysteine, which is neutral and slightly polar, at codon 1132 of the POLE protein (p.Tyr1132Cys).